The following is an entry in ClinVar:

ClinVar aggregate classification (germline): Likely benign. Review status: criteria provided, multiple submitters, no conflicts (2 of 4 stars). 4 submissions from 4 submitters: Likely benign (3). 1 of the submissions does not count toward it. Last evaluated 2026-01-12.

Conditions:
Cyclical neutropenia. Also called: Cyclic hematopoiesis; Cyclic Neutropenia. Identifiers: Orphanet 2686, MedGen C0221023, MONDO:0008090, OMIM 162800, HP:0040289. Disease mechanism: loss of function.
Neutropenia, severe congenital, 1, autosomal dominant. Identifiers: MedGen C1859966, MONDO:0042490, OMIM 202700.
Inborn genetic diseases. Identifiers: MedGen C0950123, MeSH D030342.
ELANE-related disorder. Also called: ELANE-related condition.

Allele frequency attached by ClinVar (database versions not stated): gnomAD exomes 0.00006; ExAC 0.00009; ESP Exome Variant Server 0.00015; gnomAD 0.00022 and 0.00023; TOPMed 0.00026; 1000 Genomes Project 0.00100; 1000 Genomes Project 30x 0.00109.
gnomAD v4.1: 63 of 1,605,792 alleles (0.0039%); highest among the groups gnomAD compares: African/African-American, 0.052%; no homozygotes.

Submissions (4):

Labcorp Genetics (formerly Invitae), Labcorp
Classification: Likely benign for Neutropenia, severe congenital, 1, autosomal dominant; Cyclical neutropenia. Last evaluated: 2026-01-12. Review status: criteria provided, single submitter. Criteria: Invitae Variant Classification Sherloc (09022015). Collection method: clinical testing. Allele origin: germline.

Ambry Genetics
Classification: Likely benign for Inborn genetic diseases. Last evaluated: 2024-11-25. Review status: criteria provided, single submitter. Criteria: Ambry Variant Classification Scheme 2023. Collection method: clinical testing. Allele origin: germline.

Blueprint Genetics
Classification: Likely benign. Last evaluated: 2022-07-11. Review status: criteria provided, single submitter. Criteria: ACMG Guidelines, 2015. Collection method: clinical testing. Allele origin: germline.

PreventionGenetics, part of Exact Sciences
Classification: Likely benign for ELANE-related condition. Last evaluated: 2024-01-04. Review status: no assertion criteria provided. Collection method: clinical testing. Allele origin: germline. Not counted in ClinVar's aggregate classification.
Comment: This variant is classified as likely benign based on ACMG/AMP sequence variant interpretation guidelines (Richards et al. 2015 PMID: 25741868, with internal and published modifications).

NM_001972.4(ELANE):c.441C>T (p.Asn147=)

Gene: ELANE (elastase, neutrophil expressed; plus strand). Cytogenetic location: 19p13.3.
Variant type: single nucleotide variant.
Coding change: c.441C>T on transcript NM_001972.4 (MANE Select); coding-DNA position 441, C replaced by T.
Protein change: p.Asn147=; no amino-acid change (asparagine 147 retained).
Molecular consequence: synonymous variant.
Genome position (GRCh38, 1-based): chr19:855,638, C>T. VCF-style: chr19-855638-C-T. GRCh37 (hg19) VCF-style: chr19-855638-C-T.
Other names: c.441C>T (NM_001972.3, NM_001972.2).
Identifiers: ClinVar variation 1629468 (VCV001629468.12), dbSNP rs146878885, ClinGen allele CA9026063.